The following is an entry in ClinVar:

NM_005359.6(SMAD4):c.1395G>A (p.Val465=)

Gene: SMAD4 (SMAD family member 4; plus strand). Cytogenetic location: 18q21.2.
Variant type: single nucleotide variant.
Coding change: c.1395G>A on transcript NM_005359.6 (MANE Select); coding-DNA position 1395, G replaced by A.
Protein change: p.Val465=; no amino-acid change (valine 465 retained).
Molecular consequence: synonymous variant.
Genome position (GRCh38, 1-based): chr18:51,076,724, G>A. VCF-style: chr18-51076724-G-A. GRCh37 (hg19) VCF-style: chr18-48603094-G-A.
Identifiers: ClinVar variation 381943 (VCV000381943.2), dbSNP rs1057521215, ClinGen allele CA16607949.
Genomic context (GRCh38, chr18:51,076,724, plus strand): 5'-ACAGATGCAGCAGCAGGCGGCTACTGCACAAGCTGCAGCAGCTGCCCAGGCAGCAGCCGT[G>A]GCAGGAAACATCCCTGGCCCAGGATCAGTAGGTGGAATAGCTCCAGCTATCAGTAAGTAT-3'
Protein context (NP_005350.1, residues 455-475): QAAAAAQAAA[Val465=]AGNIPGPGSV

ClinVar aggregate classification (germline): Benign/Likely benign. Review status: criteria provided, multiple submitters, no conflicts (2 of 4 stars). 2 submissions from 2 submitters: Benign (1); Likely benign (1). Last evaluated 2025-03-24.

Conditions:
Juvenile polyposis/hereditary hemorrhagic telangiectasia syndrome (JPHT). Also called: POLYPOSIS, GENERALIZED JUVENILE, WITH PULMONARY ARTERIOVENOUS MALFORMATION; TELANGIECTASIA, HEREDITARY HEMORRHAGIC, WITH JUVENILE POLYPOSIS COLI; Juvenile Polyposis Syndrome / Hereditary Hemorrhagic Telangiectasia (JPS/HHT); JP/HHT SYNDROME; JUVENILE POLYPOSIS WITH HEREDITARY HEMORRHAGIC TELANGIECTASIA. Identifiers: Orphanet 2929, MedGen C1832942, MONDO:0008278, OMIM 175050.

Submissions (2):

Myriad Genetics, Inc.
Classification: Benign for Juvenile polyposis/hereditary hemorrhagic telangiectasia syndrome. Last evaluated: 2025-03-24. Review status: criteria provided, single submitter. Criteria: Myriad Autosomal Dominant, Autosomal Recessive and X-Linked Classification Criteria (2023). Collection method: clinical testing. Allele origin: unknown.
Comment: This variant is considered benign. This variant is a silent/synonymous amino acid change and it is not expected to impact splicing.

GeneDx
Classification: Likely benign. Last evaluated: 2015-11-30. Review status: criteria provided, single submitter. Criteria: GeneDx Variant Classification (06012015). Collection method: clinical testing. Allele origin: germline. Affected: yes.
Comment: This variant is considered likely benign or benign based on one or more of the following criteria: it is a conservative change, it occurs at a poorly conserved position in the protein, it is predicted to be benign by multiple in silico algorithms, and/or has population frequency not consistent with disease.